The following is an entry in ClinVar:

ClinVar aggregate classification (germline): Conflicting classifications of pathogenicity. Review status: criteria provided, conflicting classifications (1 of 4 stars). 4 submissions from 4 submitters: Uncertain significance (1); Benign (1); Likely benign (1). 1 of the submissions does not count toward it. Last evaluated 2023-12-13.

Conditions:
ASXL3-related disorder. Also called: ASXL3-related condition. Identifiers: MedGen CN381524.

Allele frequency attached by ClinVar (database versions not stated): gnomAD exomes 0.00006 and 0.00014; 1000 Genomes Project 0.00020; ExAC 0.00020; 1000 Genomes Project 30x 0.00031; gnomAD 0.00055 and 0.00059; TOPMed 0.00059; ESP Exome Variant Server 0.00091.
gnomAD v4.1: 173 of 1,613,310 alleles (0.011%); highest among the groups gnomAD compares: African/African-American, 0.21%; no homozygotes.

Submissions (4):

Blueprint Genetics
Classification: Likely benign. Last evaluated: 2023-12-13. Review status: criteria provided, single submitter. Criteria: ACMG Guidelines, 2015. Collection method: clinical testing. Allele origin: germline.

GeneDx
Classification: Benign. Last evaluated: 2021-11-03. Review status: criteria provided, single submitter. Criteria: GeneDx Variant Classification Process June 2021. Collection method: clinical testing. Allele origin: germline. Affected: yes.

Genetic Services Laboratory, University of Chicago
Classification: Uncertain significance. Last evaluated: 2015-05-04. Review status: criteria provided, single submitter. Criteria: ACMG Guidelines, 2015. Collection method: clinical testing. Allele origin: germline.

PreventionGenetics, part of Exact Sciences
Classification: Likely benign for ASXL3-related condition. Last evaluated: 2022-06-20. Review status: no assertion criteria provided. Collection method: clinical testing. Allele origin: germline. Not counted in ClinVar's aggregate classification.
Comment: This variant is classified as likely benign based on ACMG/AMP sequence variant interpretation guidelines (Richards et al. 2015 PMID: 25741868, with internal and published modifications).

NM_030632.3(ASXL3):c.1707C>T (p.Thr569=)

Gene: ASXL3 (ASXL transcriptional regulator 3; plus strand). Cytogenetic location: 18q12.1.
Variant type: single nucleotide variant.
Coding change: c.1707C>T on transcript NM_030632.3 (MANE Select); coding-DNA position 1707, C replaced by T.
Protein change: p.Thr569=; no amino-acid change (threonine 569 retained).
Molecular consequence: synonymous variant.
Genome position (GRCh38, 1-based): chr18:33,739,111, C>T. VCF-style: chr18-33739111-C-T. GRCh37 (hg19) VCF-style: chr18-31319075-C-T.
Other names: c.1707C>T (NM_030632.2).
Identifiers: ClinVar variation 210367 (VCV000210367.11), dbSNP rs371181408, ClinGen allele CA207793.